The following is an entry in ClinVar:

ClinVar aggregate classification (germline): Uncertain significance (1 of 4 stars; one submission).

Submission:

Ambry Genetics
Classification: Uncertain significance. Last evaluated: 2024-01-29. Review status: criteria provided, single submitter. Criteria: Ambry Variant Classification Scheme 2023. Collection method: clinical testing. Allele origin: germline.
Comment: The p.G79A variant (also known as c.236G>C), located in coding exon 1 of the EGLN2 gene, results from a G to C substitution at nucleotide position 236. The glycine at codon 79 is replaced by alanine, an amino acid with similar properties. This amino acid position is conserved. In addition, this alteration is predicted to be tolerated by in silico analysis. Based on the available evidence, the clinical significance of this alteration remains unclear.

NM_080732.4(EGLN2):c.236G>C (p.Gly79Ala)

Genes: EGLN2 (egl-9 family hypoxia inducible factor 2; plus strand), RAB4B-EGLN2 (RAB4B-EGLN2 readthrough (NMD candidate); plus strand). Cytogenetic location: 19q13.2.
Variant type: single nucleotide variant.
Coding change: c.236G>C on transcript NM_080732.4 (MANE Select); coding-DNA position 236, G replaced by C.
Protein change: p.Gly79Ala; replaces glycine 79 with alanine.
Molecular consequence: missense variant. On other transcripts: non-coding transcript variant (1).
Genome position (GRCh38, 1-based): chr19:40,800,808, G>C. VCF-style: chr19-40800808-G-C. GRCh37 (hg19) VCF-style: chr19-41306713-G-C.
Other names: c.236G>C, p.Gly79Ala (NM_053046.4); short protein forms G79A.
Identifiers: ClinVar variation 3228991 (VCV003228991.1), dbSNP rs2515993264, ClinGen allele CA405954834.